The following is an entry in ClinVar:

ClinVar aggregate classification (germline): Uncertain significance. Review status: criteria provided, multiple submitters, no conflicts (2 of 4 stars). 2 submissions from 2 submitters: Uncertain significance (2). Last evaluated 2026-08-18.

Conditions:
Hereditary cancer-predisposing syndrome. Also called: Hereditary Cancer Syndrome; Neoplastic Syndromes, Hereditary; Hereditary neoplastic syndrome; Tumor predisposition. Identifiers: Orphanet 140162, MedGen C0027672, MeSH D009386, MONDO:0015356.
Hereditary diffuse gastric adenocarcinoma (HDGC). Also called: DIFFUSE GASTRIC AND LOBULAR BREAST CANCER SYNDROME. Identifiers: Orphanet 26106, MedGen C1708349, MONDO:0007648, OMIM 137215.

Submissions (2):

Ambry Genetics
Classification: Uncertain significance for Hereditary cancer-predisposing syndrome. Last evaluated: 2026-08-18. Review status: criteria provided, single submitter. Criteria: Ambry Variant Classification Scheme 2023. Collection method: clinical testing. Allele origin: germline.
Comment: The p.Y68H variant (also known as c.202T>C), located in coding exon 3 of the CDH1 gene, results from a T to C substitution at nucleotide position 202. The tyrosine at codon 68 is replaced by histidine, an amino acid with similar properties. This amino acid position is conserved. In addition, this alteration is predicted to be tolerated by in silico analysis. Based on the available evidence, the clinical significance of this variant remains unclear.

Labcorp Genetics (formerly Invitae), Labcorp
Classification: Uncertain significance for Hereditary diffuse gastric adenocarcinoma. Last evaluated: 2021-08-19. Review status: criteria provided, single submitter. Criteria: Invitae Variant Classification Sherloc (09022015). Collection method: clinical testing. Allele origin: germline.
Comment: Algorithms developed to predict the effect of missense changes on protein structure and function are either unavailable or do not agree on the potential impact of this missense change (SIFT: "Deleterious"; PolyPhen-2: "Probably Damaging"; Align-GVGD: "Class C0"). In summary, the available evidence is currently insufficient to determine the role of this variant in disease. Therefore, it has been classified as a Variant of Uncertain Significance. This variant has not been reported in the literature in individuals affected with CDH1-related conditions. This sequence change replaces tyrosine with histidine at codon 68 of the CDH1 protein (p.Tyr68His). The tyrosine residue is weakly conserved and there is a moderate physicochemical difference between tyrosine and histidine. This variant is not present in population databases (ExAC no frequency).

NM_004360.5(CDH1):c.202T>C (p.Tyr68His)

Gene: CDH1 (cadherin 1; plus strand). Cytogenetic location: 16q22.1.
Variant type: single nucleotide variant.
Coding change: c.202T>C on transcript NM_004360.5 (MANE Select); coding-DNA position 202, T replaced by C.
Protein change: p.Tyr68His; replaces tyrosine 68 with histidine.
Molecular consequence: missense variant. On other transcripts: 5 prime UTR variant (2).
Genome position (GRCh38, 1-based): chr16:68,801,708, T>C. VCF-style: chr16-68801708-T-C. GRCh37 (hg19) VCF-style: chr16-68835611-T-C.
Other names: c.202T>C, p.Tyr68His (NM_001317184.2); c.-1414T>C (NM_001317185.2); c.-1618T>C (NM_001317186.2); c.202T>C (NM_004360.3); short protein forms Y68H.
Identifiers: ClinVar variation 1347266 (VCV001347266.7), dbSNP rs1060501218, ClinGen allele CA396457151.
Genomic context (GRCh38, chr16:68,801,708, plus strand): 5'-CTCTGTGATTTCTGCCCTGCAGTGAATTTTGAAGATTGCACCGGTCGACAAAGGACAGCC[T>C]ATTTTTCCCTCGACACCCGATTCAAAGTGGGCACAGATGGTGTGATTACAGTCAAAAGGC-3'
Protein context (NP_004351.1, residues 58-78): EDCTGRQRTA[Tyr68His]FSLDTRFKVG